The following is an entry in ClinVar:

ClinVar aggregate classification (germline): Likely benign (1 of 4 stars; one submission).

Submission:

CeGaT Center for Human Genetics Tuebingen
Classification: Likely benign. Last evaluated: 2025-01-01. Review status: criteria provided, single submitter. Criteria: CeGaT Center For Human Genetics Tuebingen Variant Classification Criteria Version 2. Collection method: clinical testing. Allele origin: germline. Affected: yes. Observed: 1 variant allele.
Comment: ATP10A: PM2:Supporting, BP4, BP7

NM_024490.4(ATP10A):c.285G>C (p.Ala95=)

Gene: ATP10A (ATPase phospholipid transporting 10A (putative); minus strand). Cytogenetic location: 15q12.
Variant type: single nucleotide variant.
Coding change: c.285G>C on transcript NM_024490.4 (MANE Select); coding-DNA position 285, G replaced by C.
Protein change: p.Ala95=; no amino-acid change (alanine 95 retained).
Molecular consequence: synonymous variant.
Genome position (GRCh38, 1-based): chr15:25,862,812, C>G on the plus strand (G>C on the coding strand, the complement: ATP10A is on the minus strand). VCF-style: chr15-25862812-C-G. GRCh37 (hg19) VCF-style: chr15-26107959-C-G.
Identifiers: ClinVar variation 3772327 (VCV003772327.13).